The following is an entry in ClinVar:

NM_014991.6(WDFY3):c.8239A>G (p.Lys2747Glu)

Gene: WDFY3 (WD repeat and FYVE domain containing 3; minus strand). Cytogenetic location: 4q21.23.
Variant type: single nucleotide variant.
Coding change: c.8239A>G on transcript NM_014991.6 (MANE Select); coding-DNA position 8239, A replaced by G.
Protein change: p.Lys2747Glu; replaces lysine 2747 with glutamic acid.
Molecular consequence: missense variant.
Genome position (GRCh38, 1-based): chr4:84,705,490, T>C on the plus strand (A>G on the coding strand, the complement: WDFY3 is on the minus strand). VCF-style: chr4-84705490-T-C. GRCh37 (hg19) VCF-style: chr4-85626643-T-C.
Other names: short protein forms K2747E.
Identifiers: ClinVar variation 4070883 (VCV004070883.1).

ClinVar aggregate classification (germline): Uncertain significance (1 of 4 stars; one submission).

Submission:

GeneDx
Classification: Uncertain significance. Last evaluated: 2025-01-21. Review status: criteria provided, single submitter. Criteria: GeneDx Variant Classification Process June 2021. Collection method: clinical testing. Allele origin: germline. Affected: yes.
Comment: Not observed at significant frequency in large population cohorts (gnomAD); In silico analysis indicates that this missense variant does not alter protein structure/function; Has not been previously published as pathogenic or benign to our knowledge